The following is an entry in ClinVar:

ClinVar aggregate classification (germline): Pathogenic. Review status: criteria provided, multiple submitters, no conflicts (2 of 4 stars). 2 submissions from 2 submitters: Pathogenic (2). Last evaluated 2025-11-13.

Conditions:
Jeune thoracic dystrophy. Also called: Short-rib thoracic dysplasia; Jeune syndrome; Infantile thoracic dystrophy; Thoracic pelvic phalangeal dystrophy; Jeune's syndrome; Chondroectodermal dysplasia-like syndrome. Identifiers: Orphanet 474, MedGen C0265275, MONDO:0018770.
Asphyxiating thoracic dystrophy 3. Also called: POLYDACTYLY WITH NEONATAL CHONDRODYSTROPHY, TYPE I; SHORT-RIB THORACIC DYSPLASIA 3/6 WITH POLYDACTYLY, DIGENIC; Short rib polydactyly syndrome 2B; SHORT-RIB THORACIC DYSPLASIA 3 WITH OR WITHOUT POLYDACTYLY; Saldino-Noonan Syndrome. Identifiers: Orphanet 474, Orphanet 93269, Orphanet 93270, Orphanet 93271, MedGen C0036069, MONDO:0013127, OMIM 613091.

Submissions (2):

Myriad Genetics, Inc.
Classification: Pathogenic for Asphyxiating thoracic dystrophy 3. Last evaluated: 2025-11-13. Review status: criteria provided, single submitter. Criteria: Myriad Autosomal Dominant, Autosomal Recessive and X-Linked Classification Criteria (2023). Collection method: clinical testing. Allele origin: unknown.
Comment: NM_001377.2(DYNC2H1):c.3812delG(G1271Efs*8) is expected to be pathogenic in the context of DYNC2H1-related disorders. This variant is predicted to lead to an abnormal or absent protein product due to the creation of a premature termination codon in DYNC2H1, a gene where loss-of-function variants are known to be pathogenic. Please note: this variant was assessed in the context of healthy population screening.

Labcorp Genetics (formerly Invitae), Labcorp
Classification: Pathogenic for Jeune thoracic dystrophy. Last evaluated: 2023-01-28. Review status: criteria provided, single submitter. Criteria: Invitae Variant Classification Sherloc (09022015). Collection method: clinical testing. Allele origin: germline.
Comment: This sequence change creates a premature translational stop signal (p.Gly1271Glufs*8) in the DYNC2H1 gene. It is expected to result in an absent or disrupted protein product. Loss-of-function variants in DYNC2H1 are known to be pathogenic (PMID: 23339108, 32753734). This variant is not present in population databases (gnomAD no frequency). This variant has not been reported in the literature in individuals affected with DYNC2H1-related conditions. For these reasons, this variant has been classified as Pathogenic.

Literature cited by the submitters: PubMed 23339108 (cited by Labcorp Genetics (formerly Invitae), Labcorp); PubMed 32753734 (cited by Labcorp Genetics (formerly Invitae), Labcorp).

NM_001377.3(DYNC2H1):c.3812del (p.Gly1271fs)

Gene: DYNC2H1 (dynein cytoplasmic 2 heavy chain 1; plus strand). Cytogenetic location: 11q22.3.
Variant type: Deletion.
Coding change: c.3812del on transcript NM_001377.3 (MANE Select); coding-DNA position 3812, one base deleted (G; older notation c.3812delG).
Protein change: p.Gly1271fs; shifts the reading frame from glycine 1271.
Molecular consequence: frameshift variant.
Genome position (GRCh38, 1-based): chr11:103,156,455, G deleted; the last of 4 consecutive G bases (chr11:103,156,452-103,156,455); deleting any one gives the same sequence. VCF-style (leftmost placement, unchanged base first): chr11-103156451-TG-T. GRCh37 (hg19) VCF-style: chr11-103027180-TG-T.
Other names: c.3812del, p.Gly1271fs (NM_001080463.2); short protein forms G1271fs.
Identifiers: ClinVar variation 3005543 (VCV003005543.4), dbSNP rs1565350595, ClinGen allele CA918956304.